The following is an entry in ClinVar:

NM_000038.6(APC):c.719C>T (p.Thr240Ile)

Gene: APC (APC regulator of Wnt signaling pathway; plus strand). Cytogenetic location: 5q22.2.
Variant type: single nucleotide variant.
Coding change: c.719C>T on transcript NM_000038.6 (MANE Select); coding-DNA position 719, C replaced by T.
Protein change: p.Thr240Ile; replaces threonine 240 with isoleucine.
Molecular consequence: missense variant. On other transcripts: intron variant (2), 5 prime UTR variant (1).
Genome position (GRCh38, 1-based): chr5:112,792,519, C>T. VCF-style: chr5-112792519-C-T. GRCh37 (hg19) VCF-style: chr5-112128216-C-T.
Other names: c.719C>T (NM_000038.5); c.676-8760C>T (NM_001127511.3); c.646-8760C>T (NM_001354899.2); c.719C>T, p.Thr240Ile (NM_001127510.3, NM_001354895.2, NM_001354896.2 and 1 more transcripts); c.749C>T, p.Thr250Ile (NM_001354897.2, NM_001354902.2); c.644C>T, p.Thr215Ile (NM_001354898.2, NM_001354904.2); c.542C>T, p.Thr181Ile (NM_001354900.2, NM_001354901.2, NM_001354905.2); c.-317C>T (NM_001354906.2); short protein forms T240I, T250I, T181I, T215I.
Identifiers: ClinVar variation 1523659 (VCV001523659.6), dbSNP rs751648064, ClinGen allele CA16022905.

ClinVar aggregate classification (germline): Uncertain significance. Review status: criteria provided, multiple submitters, no conflicts (2 of 4 stars). 2 submissions from 2 submitters: Uncertain significance (2). Last evaluated 2023-07-24.

Conditions:
Familial adenomatous polyposis 1 (FAP1). Also called: FAMILIAL ADENOMATOUS POLYPOSIS 1, ATTENUATED; POLYPOSIS, ADENOMATOUS INTESTINAL. Identifiers: MedGen C2713442, MONDO:0021056, OMIM 175100. Disease mechanism: loss of function.

Submissions (2):

GeneDx
Classification: Uncertain significance. Last evaluated: 2023-07-24. Review status: criteria provided, single submitter. Criteria: GeneDx Variant Classification Process June 2021. Collection method: clinical testing. Allele origin: germline. Affected: yes.
Comment: Not observed at significant frequency in large population cohorts (gnomAD); In silico analysis supports that this missense variant does not alter protein structure/function; Has not been previously published as pathogenic or benign to our knowledge

Labcorp Genetics (formerly Invitae), Labcorp
Classification: Uncertain significance for Familial adenomatous polyposis 1. Last evaluated: 2022-09-19. Review status: criteria provided, single submitter. Criteria: Invitae Variant Classification Sherloc (09022015). Collection method: clinical testing. Allele origin: germline.
Comment: In summary, the available evidence is currently insufficient to determine the role of this variant in disease. Therefore, it has been classified as a Variant of Uncertain Significance. Advanced modeling of protein sequence and biophysical properties (such as structural, functional, and spatial information, amino acid conservation, physicochemical variation, residue mobility, and thermodynamic stability) performed at Invitae indicates that this missense variant is not expected to disrupt APC protein function. ClinVar contains an entry for this variant (Variation ID: 1523659). This variant has not been reported in the literature in individuals affected with APC-related conditions. This variant is not present in population databases (gnomAD no frequency). This sequence change replaces threonine, which is neutral and polar, with isoleucine, which is neutral and non-polar, at codon 240 of the APC protein (p.Thr240Ile).